The following is an entry in ClinVar:

NM_015015.3(KDM4B):c.2933C>G (p.Ser978Cys)

Gene: KDM4B (lysine demethylase 4B; plus strand). Cytogenetic location: 19p13.3.
Variant type: single nucleotide variant.
Coding change: c.2933C>G on transcript NM_015015.3 (MANE Select); coding-DNA position 2933, C replaced by G.
Protein change: p.Ser978Cys; replaces serine 978 with cysteine.
Molecular consequence: missense variant.
Genome position (GRCh38, 1-based): chr19:5,144,814, C>G. VCF-style: chr19-5144814-C-G. GRCh37 (hg19) VCF-style: chr19-5144825-C-G.
Other names: c.3035C>G, p.Ser1012Cys (NM_001411148.1); short protein forms S1012C, S978C.
Identifiers: ClinVar variation 3906690 (VCV003906690.2).

ClinVar aggregate classification (germline): Uncertain significance (1 of 4 stars; one submission).

gnomAD v4.1: 1 of 1,613,280 alleles (0.000062%); highest among the groups gnomAD compares: African/African-American, 0.0013%; no homozygotes.

Submission:

GeneDx
Classification: Uncertain significance. Last evaluated: 2026-09-29. Review status: criteria provided, single submitter. Criteria: GeneDx Variant Classification Process June 2021. Collection method: clinical testing. Allele origin: germline.
Comment: Not observed at significant frequency in large population cohorts (gnomAD); In silico analysis suggests that this missense variant does not alter protein structure/function; Has not been previously published as pathogenic or benign to our knowledge